The following is an entry in ClinVar:

ClinVar aggregate classification (germline): Pathogenic (1 of 4 stars; one submission).

Conditions:
Ehlers-Danlos syndrome, classic type, 1 (EDSCL1). Also called: EHLERS-DANLOS SYNDROME, GRAVIS TYPE; EHLERS-DANLOS SYNDROME, SEVERE CLASSIC TYPE; Ehlers-Danlos syndrome, type 1; Ehlers-Danlos Syndrome, Classic Type, COL5A1-Related; EDS I. Identifiers: MedGen C0268335, MONDO:0019567, OMIM 130000.

Submission:

MedGen Diagnostic Laboratory, MedGen Medical Centre
Classification: Pathogenic for Ehlers-Danlos syndrome, classic type, 1. Last evaluated: 2024-05-05. Review status: criteria provided, single submitter. Criteria: ACMG Guidelines, 2015. Collection method: clinical testing, in vitro. Allele origin: de novo, not applicable. Affected: yes. Observed: 1 variant allele. Functional consequence: sequence_variant_affecting_splicing.
Comment: According to ACMG-AMP guidelines, the variant fulfilled the PM2 and PM6 ACMG criteria. Using in vitro minigene splice assay, we confirmed that c.2089-7_2089dup mutation results in frameshift mutation leading to premature termination of translation what determines PVS1.

NM_000093.5(COL5A1):c.2089-7_2089dup

Gene: COL5A1 (collagen type V alpha 1 chain; plus strand). Cytogenetic location: 9q34.3.
Variant type: Duplication.
Coding change: c.2089-7_2089dup on transcript NM_000093.5 (MANE Select); 7 bases into the intron before coding-DNA position 2089 through coding-DNA position 2089, 8 bases duplicated (TACACAGG; older notation c.2089-7_2089dupTACACAGG).
Molecular consequence: splice acceptor variant.
Genome position (GRCh38, 1-based): chr9:134,766,447-134,766,454, TACACAGG duplicated; duplicating any 8 consecutive bases within chr9:134,766,446-134,766,454 gives the same sequence; the c. name uses the placement nearest the transcript's 3' end. VCF-style (leftmost placement, unchanged base first): chr9-134766445-C-CGTACACAG. GRCh37 (hg19) VCF-style: chr9-137658291-C-CGTACACAG.
Other names: c.2089-7_2089dup (NM_001278074.1).
Identifiers: ClinVar variation 3338117 (VCV003338117.2).